The following is an entry in ClinVar:

NM_006231.4(POLE):c.3421A>G (p.Ile1141Val)

Gene: POLE (DNA polymerase epsilon, catalytic subunit; minus strand). Cytogenetic location: 12q24.33.
Variant type: single nucleotide variant.
Coding change: c.3421A>G on transcript NM_006231.4 (MANE Select); coding-DNA position 3421, A replaced by G.
Protein change: p.Ile1141Val; replaces isoleucine 1141 with valine.
Molecular consequence: missense variant.
Genome position (GRCh38, 1-based): chr12:132,657,387, T>C on the plus strand (A>G on the coding strand, the complement: POLE is on the minus strand). VCF-style: chr12-132657387-T-C. GRCh37 (hg19) VCF-style: chr12-133233973-T-C.
Other names: short protein forms I1141V.
Identifiers: ClinVar variation 1049961 (VCV001049961.1), dbSNP rs939889253, ClinGen allele CA246314879.
Genomic context (GRCh38, chr12:132,657,387, plus strand): 5'-GTGCCACTGACCCCGCCCTTACCTGCTGCAGGGCCGCAGGGATGGTGATGATCTTCTGGA[T>C]GGCGCTTCCCAGCCGCTCAATGTAGTAGTCCCAATCCAGAATCTGCATGTGCAGGAAACG-3'
Protein context (NP_006222.2, residues 1131-1151): DYYIERLGSA[Ile1141Val]QKIITIPAAL

ClinVar aggregate classification (germline): Uncertain significance (0 of 4 stars; one submission).

Submission:

Department of Pathology and Laboratory Medicine, Sinai Health System
Classification: Uncertain significance. Review status: no assertion criteria provided. Collection method: clinical testing. Allele origin: unknown. Affected: yes. Observed: 1 variant allele. Study: The Canadian Open Genetics Repository (COGR).
Comment: The POLE p.Ile1141Val variant was not identified in the literature nor was it identified in the following databases: ClinVar, Cosmic, or MutDB. The variant is listed in the dbSNP database (ID#: rs939889253). The variant was not identified in the control databases: the 1000 Genomes Project, the NHLBI GO Exome Sequencing Project, the Exome Aggregation Consortium (August 8th 2016), or the Genome Aggregation Database (Feb 27, 2017). The p.Ile1141 residue is conserved in mammals and computational analyses (PolyPhen-2, SIFT, AlignGVGD, BLOSUM, MutationTaster) provide inconsistent predictions regarding the impact to the protein; this information is not very predictive of pathogenicity. The variant occurs outside of the splicing consensus sequence and in silico or computational prediction software programs (SpliceSiteFinder, MaxEntScan, NNSPLICE, GeneSplicer, HumanSpliceFinder) do not predict a difference in splicing. In summary, based on the above information the clinical significance of this variant cannot be determined with certainty at this time. This variant is classified as a variant of uncertain significance.